The following is an entry in ClinVar:

ClinVar aggregate classification (germline): Likely pathogenic (1 of 4 stars; one submission).

Submission:

Labcorp Genetics (formerly Invitae), Labcorp
Classification: Likely pathogenic. Last evaluated: 2022-12-31. Review status: criteria provided, single submitter. Criteria: Invitae Variant Classification Sherloc (09022015). Collection method: clinical testing. Allele origin: unknown.
Comment: This variant has not been reported in the literature in individuals affected with CNGB3-related conditions. In summary, the currently available evidence indicates that the variant is pathogenic, but additional data are needed to prove that conclusively. Therefore, this variant has been classified as Likely Pathogenic. This variant results in a copy number gain of the genomic region encompassing exon(s) 6 of the CNGB3 gene. While the exact position of this variant cannot be determined from the data, sub-genic copy number gains are generally in tandem (PMID: 25640679). This variant is predicted to be out-of-frame, and may result in an absent or disrupted protein product. Loss-of-function variants in CNGB3 are known to be pathogenic (PMID: 28795510).

Literature cited by the submitters: PubMed 25640679; PubMed 28795510.

NC_000008.10:g.(?_87674402)_(87679381_?)dup

Gene: CNGB3 (cyclic nucleotide gated channel subunit beta 3; minus strand). Cytogenetic location: 8q21.3.
Variant type: Duplication.
Identifiers: ClinVar variation 3245589 (VCV003245589.1).